The following is an entry in ClinVar:

ClinVar aggregate classification (germline): Likely pathogenic (1 of 4 stars; one submission).

Submission:

Dasa
Classification: Likely pathogenic. Last evaluated: 2024-07-10. Review status: criteria provided, single submitter. Criteria: DASA Assertion Criteria. Collection method: clinical testing. Allele origin: germline.
Comment: NM_007347.5(AP4E1):c.1103del (p.Pro368Leufs*9) is a frameshift variant in AP4E1 predicted to alter the reading frame and introduce a premature termination codon and is predicted to result in an absent or altered protein product. Loss of function is an established disease mechanism for AP4E1-associated disorders. Also, this variant is absent from population databases. Based on the currently available evidence, this variant is classified as likely pathogenic.

NM_007347.5(AP4E1):c.1103del (p.Pro368fs)

Gene: AP4E1 (adaptor related protein complex 4 subunit epsilon 1; plus strand). Cytogenetic location: 15q21.2.
Variant type: Deletion.
Coding change: c.1103del on transcript NM_007347.5 (MANE Select); coding-DNA position 1103, one base deleted (C; older notation c.1103delC).
Protein change: p.Pro368fs; shifts the reading frame from proline 368.
Molecular consequence: frameshift variant.
Genome position (GRCh38, 1-based): chr15:50,941,702, C deleted; the last of 2 consecutive C bases (chr15:50,941,701-50,941,702); deleting either gives the same sequence. VCF-style (leftmost placement, unchanged base first): chr15-50941700-TC-T. GRCh37 (hg19) VCF-style: chr15-51233897-TC-T.
Other names: c.878del, p.Pro293fs (NM_001252127.2); short protein forms P293fs, P368fs.
Identifiers: ClinVar variation 4852645 (VCV004852645.2).